The following is an entry in ClinVar:

ClinVar aggregate classification (germline): Pathogenic (0 of 4 stars; one submission).

Conditions:
Autosomal recessive nonsyndromic hearing loss 9. Also called: NEUROSENSORY NONSYNDROMIC RECESSIVE DEAFNESS 9; OTOF-Related Hearing Loss; Deafness, autosomal recessive 9; AUDITORY NEUROPATHY, AUTOSOMAL RECESSIVE, 1, TEMPERATURE-SENSITIVE. Identifiers: Orphanet 90636, MedGen C1832828, MONDO:0010986, OMIM 601071.

Submission:

Diagnosis and Treatment Center of Genetic Hearing Loss, Eye & ENT Hospital of Fudan University
Classification: Pathogenic for Autosomal recessive nonsyndromic hearing loss 9. Last evaluated: 2026-02-04. Review status: no assertion criteria provided. Collection method: clinical testing. Allele origin: germline. Inheritance: Autosomal recessive inheritance. Affected: yes.
Comment: The c.2383del frameshift variant in OTOF leads to a premature stop codon and predicted NMD (PVS1). It is absent from population databases (PM2_Supporting). The phenotype is consistent with auditory neuropathy (PP4).

NM_194248.3(OTOF):c.2383del (p.Leu795fs)

Gene: OTOF (otoferlin; minus strand). Cytogenetic location: 2p23.3.
Variant type: Deletion.
Coding change: c.2383del on transcript NM_194248.3 (MANE Select); coding-DNA position 2383, one base deleted (C; older notation c.2383delC).
Protein change: p.Leu795fs; shifts the reading frame from leucine 795.
Molecular consequence: frameshift variant.
Genome position (GRCh38, 1-based): chr2:26,477,439, G deleted on the plus strand (C on the coding strand, the reverse complement: OTOF is on the minus strand); the first of 2 consecutive G bases (chr2:26,477,439-26,477,440); deleting either gives the same sequence. VCF-style (leftmost placement, unchanged base first): chr2-26477438-AG-A. GRCh37 (hg19) VCF-style: chr2-26700306-AG-A.
Other names: c.2383del, p.Leu795fs (NM_001287489.2); c.142del, p.Leu48fs (NM_004802.4, NM_194323.3); c.313del, p.Leu105fs (NM_194322.3); short protein forms L105fs, L48fs, L795fs.
Identifiers: ClinVar variation 4879953 (VCV004879953.1).